The following is an entry in ClinVar:

NM_030761.5(WNT4):c.667G>A (p.Ala223Thr)

Gene: WNT4 (Wnt family member 4; minus strand). Cytogenetic location: 1p36.12.
Variant type: single nucleotide variant.
Coding change: c.667G>A on transcript NM_030761.5 (MANE Select); coding-DNA position 667, G replaced by A.
Protein change: p.Ala223Thr; replaces alanine 223 with threonine.
Molecular consequence: missense variant.
Genome position (GRCh38, 1-based): chr1:22,120,439, C>T on the plus strand (G>A on the coding strand, the complement: WNT4 is on the minus strand). VCF-style: chr1-22120439-C-T. GRCh37 (hg19) VCF-style: chr1-22446932-C-T.
Other names: short protein forms A223T.
Identifiers: ClinVar variation 2628841 (VCV002628841.2), dbSNP rs924091975, ClinGen allele CA19145339.
Genomic context (GRCh38, chr1:22,120,439, plus strand): 5'-CAGTGGCACCATCAAACTTCTCCTTCAGTGCGTGACCCACCTGGCGGAAGGGCGGCACGG[C>T]TCGCCAGCACGTCTTTACCTCACAGGAGCCTGACACCCCGTGGCACTTGCATTCCACCCG-3'
Protein context (NP_110388.2, residues 213-233): GSCEVKTCWR[Ala223Thr]VPPFRQVGHA

ClinVar aggregate classification (germline): Uncertain significance. Review status: criteria provided, multiple submitters, no conflicts (2 of 4 stars). 2 submissions from 2 submitters: Uncertain significance (2). Last evaluated 2024-04-17.

Conditions:
WNT4-related disorder. Also called: WNT4-related condition.
Mullerian aplasia and hyperandrogenism. Also called: MULLERIAN DUCT FAILURE AND HYPERANDROGENISM. Identifiers: Orphanet 247768, MedGen C2675014, MONDO:0008019, OMIM 158330.
SERKAL syndrome (SERKAL). Also called: 46,XX SEX REVERSAL WITH DYSGENESIS OF KIDNEYS, ADRENALS, AND LUNGS. Identifiers: Orphanet 139466, MedGen C2678492, MONDO:0012734, OMIM 611812.

Allele frequency attached by ClinVar (database versions not stated): gnomAD 0.00002; TOPMed 0.00006.
gnomAD v4.1: 3 of 1,613,598 alleles (0.00019%); highest among the groups gnomAD compares: African/African-American, 0.004%; no homozygotes.

Submissions (2):

Fulgent Genetics
Classification: Uncertain significance for Mullerian aplasia and hyperandrogenism; SERKAL syndrome. Last evaluated: 2024-04-17. Review status: criteria provided, single submitter. Criteria: ACMG Guidelines, 2015. Collection method: clinical testing. Allele origin: germline.

PreventionGenetics, part of Exact Sciences
Classification: Uncertain significance for WNT4-related condition. Last evaluated: 2023-05-08. Review status: criteria provided, single submitter. Criteria: ACMG Guidelines, 2015. Collection method: clinical testing. Allele origin: germline.
Comment: The WNT4 c.667G>A variant is predicted to result in the amino acid substitution p.Ala223Thr. To our knowledge, this variant has not been reported in the literature. This variant is reported in 0.0080% of alleles in individuals of African descent in gnomAD. At this time, the clinical significance of this variant is uncertain due to the absence of conclusive functional and genetic evidence.